The following is an entry in ClinVar:

NM_000548.5(TSC2):c.2722T>C (p.Phe908Leu)

Gene: TSC2 (TSC complex subunit 2; plus strand). Cytogenetic location: 16p13.3.
Variant type: single nucleotide variant.
Coding change: c.2722T>C on transcript NM_000548.5 (MANE Select); coding-DNA position 2722, T replaced by C.
Protein change: p.Phe908Leu; replaces phenylalanine 908 with leucine.
Molecular consequence: missense variant.
Genome position (GRCh38, 1-based): chr16:2,076,150, T>C. VCF-style: chr16-2076150-T-C. GRCh37 (hg19) VCF-style: chr16-2126151-T-C.
Other names: c.2722T>C, p.Phe908Leu (NM_001406663.1, NM_001406664.1, NM_001406665.1 and 6 more transcripts); c.2812T>C, p.Phe938Leu (NM_001406667.1, NM_001406668.1); c.2611T>C, p.Phe871Leu (NM_001406670.1, NM_001318827.2, NM_001406678.1); c.2710T>C, p.Phe904Leu (NM_001406671.1, NM_001406673.1); c.2575T>C, p.Phe859Leu (NM_001406675.1, NM_001406676.1, NM_001318829.2 and 1 more transcripts); c.2122T>C, p.Phe708Leu (NM_001406686.1, NM_001406687.1, NM_001406688.1 and 6 more transcripts); c.1378T>C, p.Phe460Leu (NM_001406689.1, NM_001406690.1, NM_001406691.1 and 6 more transcripts); c.2755T>C, p.Phe919Leu (NM_001318832.2); and 3 more; short protein forms F754L, F904L, F871L, F460L, F708L, F889L, F908L, F374L.
Identifiers: ClinVar variation 2100443 (VCV002100443.4), dbSNP rs2151388791, ClinGen allele CA394279532.
Genomic context (GRCh38, chr16:2,076,150, plus strand): 5'-CTGGCCCATCACGTCATAGCCATGTGGTTCATCAGGTGCCGCCTGCCCTTCCGGAAGGAT[T>C]TTGTCCCTTTCATCACTAAGGTGGGCTCAGGGCCGGTGAAGGCTGTGTCTCTCGGTAGGC-3'
Protein context (NP_000539.2, residues 898-918): IRCRLPFRKD[Phe908Leu]VPFITKGLRS

ClinVar aggregate classification (germline): Uncertain significance (1 of 4 stars; one submission).

Conditions:
Tuberous sclerosis 2 (TSC2). Identifiers: Orphanet 805, MedGen C1860707, MONDO:0013199, OMIM 613254.

Submission:

Labcorp Genetics (formerly Invitae), Labcorp
Classification: Uncertain significance for Tuberous sclerosis 2. Last evaluated: 2022-05-25. Review status: criteria provided, single submitter. Criteria: Invitae Variant Classification Sherloc (09022015). Collection method: clinical testing. Allele origin: germline.
Comment: In summary, the available evidence is currently insufficient to determine the role of this variant in disease. Therefore, it has been classified as a Variant of Uncertain Significance. Advanced modeling of protein sequence and biophysical properties (such as structural, functional, and spatial information, amino acid conservation, physicochemical variation, residue mobility, and thermodynamic stability) performed at Invitae indicates that this missense variant is not expected to disrupt TSC2 protein function. This variant has not been reported in the literature in individuals affected with TSC2-related conditions. This variant is not present in population databases (gnomAD no frequency). This sequence change replaces phenylalanine, which is neutral and non-polar, with leucine, which is neutral and non-polar, at codon 908 of the TSC2 protein (p.Phe908Leu).